The following is an entry in ClinVar:

NM_001303052.2(MYT1L):c.2083_2097del (p.Tyr695_Ser699del)

Gene: MYT1L (myelin transcription factor 1 like; minus strand). Cytogenetic location: 2p25.3.
Variant type: Deletion.
Coding change: c.2083_2097del on transcript NM_001303052.2 (MANE Select); coding-DNA positions 2083 to 2097, 15 bases deleted (TACGCGCCCAGCAGC).
Protein change: p.Tyr695_Ser699del.
Genome position (GRCh38, 1-based): chr2:1,892,223-1,892,237, GCTGCTGGGCGCGTA deleted on the plus strand (TACGCGCCCAGCAGC on the coding strand, the reverse complement: MYT1L is on the minus strand); deleting any 15 consecutive bases within chr2:1,892,223-1,892,245 gives the same sequence; the c. name uses the placement nearest the transcript's 3' end. VCF-style (leftmost placement, unchanged base first): chr2-1892222-TGCTGCTGGGCGCGTA-T. GRCh37 (hg19) VCF-style: chr2-1895994-TGCTGCTGGGCGCGTA-T.
Other names: c.2083_2097del, p.Tyr695_Ser699del (NM_001329851.3, NM_001329844.2, NM_001329845.1); c.2077_2091del, p.Tyr693_Ser697del (NM_001329852.3, NM_015025.4, NM_001329846.3 and 3 more transcripts).
Identifiers: ClinVar variation 4530750 (VCV004530750.1).

ClinVar aggregate classification (germline): Uncertain significance (1 of 4 stars; one submission).

Submission:

GeneDx
Classification: Uncertain significance. Last evaluated: 2025-05-23. Review status: criteria provided, single submitter. Criteria: GeneDx Variant Classification Process June 2021. Collection method: clinical testing. Allele origin: germline. Affected: yes.
Comment: Not observed at significant frequency in large population cohorts (gnomAD); In-frame deletion of 5 amino acid(s) in a non-repeat region; In silico analysis supports a deleterious effect on protein structure/function; Has not been previously published as pathogenic or benign to our knowledge